The following is an entry in ClinVar:

ClinVar aggregate classification (germline): Benign. Review status: criteria provided, multiple submitters, no conflicts (2 of 4 stars). 4 submissions from 2 submitters: Benign (4). Last evaluated 2018-01-13.

Conditions:
Hereditary spherocytosis type 4. Also called: SLC4A1-Related Spherocytosis. Identifiers: Orphanet 822, MedGen C2675212, MONDO:0012981, OMIM 612653.
Autosomal dominant distal renal tubular acidosis (DRTA1). Also called: RTA, CLASSIC TYPE; RTA, DISTAL TYPE, AUTOSOMAL DOMINANT; RTA, GRADIENT TYPE; Renal Tubular Acidosis, Type I; RENAL TUBULAR ACIDOSIS, DISTAL, 1. Identifiers: Orphanet 93608, MedGen CN280572, MONDO:0008368, OMIM 179800.
Hemolytic anemia. Identifiers: MedGen C0002878, MONDO:0003664, HP:0001878.

Allele frequency attached by ClinVar (database versions not stated): gnomAD 0.04383 and 0.04437; 1000 Genomes Project 30x 0.04841; gnomAD exomes 0.04859; TOPMed 0.04898; 1000 Genomes Project 0.05092.
gnomAD v4.1: 22,096 of 465,724 alleles (4.7%); highest among the groups gnomAD compares: East Asian, 11%; 643 homozygotes.

Submissions (4):

Illumina Laboratory Services, Illumina
Classification: Benign for Hereditary spherocytosis type 4. Last evaluated: 2018-01-13. Review status: criteria provided, single submitter. Criteria: ICSL Variant Classification Criteria 13 December 2019. Collection method: clinical testing. Allele origin: germline.
Comment: This variant was observed in the ICSL laboratory as part of a predisposition screen in an ostensibly healthy population. It had not been previously curated by ICSL or reported in the Human Gene Mutation Database (HGMD: prior to June 1st, 2018), and was therefore a candidate for classification through an automated scoring system. Utilizing variant allele frequency, disease prevalence and penetrance estimates, and inheritance mode, an automated score was calculated to assess if this variant is too frequent to cause the disease. Based on the score and internal cut-off values, a variant classified as benign is not then subjected to further curation. The score for this variant resulted in a classification of benign for this disease.

Illumina Laboratory Services, Illumina
Classification: Benign for Hemolytic anemia. Last evaluated: 2018-01-13. Review status: criteria provided, single submitter. Criteria: ICSL Variant Classification Criteria 13 December 2019. Collection method: clinical testing. Allele origin: germline.
Comment: the same text as in the submission from Illumina Laboratory Services, Illumina above.

Illumina Laboratory Services, Illumina
Classification: Benign for Autosomal dominant distal renal tubular acidosis. Last evaluated: 2018-01-13. Review status: criteria provided, single submitter. Criteria: ICSL Variant Classification Criteria 13 December 2019. Collection method: clinical testing. Allele origin: germline.
Comment: the same text as in the submission from Illumina Laboratory Services, Illumina above.

Breakthrough Genomics
Classification: Benign. Review status: criteria provided, single submitter. Criteria: ACMG Guidelines, 2015. Collection method: not provided. Allele origin: germline. Inheritance: Autosomal recessive inheritance. Affected: yes.

NM_000342.4(SLC4A1):c.*270G>A

Gene: SLC4A1 (solute carrier family 4 member 1 (Diego blood group); minus strand). Cytogenetic location: 17q21.31.
Variant type: single nucleotide variant.
Coding change: c.*270G>A on transcript NM_000342.4 (MANE Select); 270 bases downstream of the stop codon, G replaced by A.
Molecular consequence: 3 prime UTR variant.
Genome position (GRCh38, 1-based): chr17:44,250,188, C>T on the plus strand (G>A on the coding strand, the complement: SLC4A1 is on the minus strand). VCF-style: chr17-44250188-C-T. GRCh37 (hg19) VCF-style: chr17-42327556-C-T.
Identifiers: ClinVar variation 323499 (VCV000323499.6), dbSNP rs5027, ClinGen allele CA10645799.